The following is an entry in ClinVar:

NM_000388.4(CASR):c.1377+4C>G

Gene: CASR (calcium sensing receptor; plus strand). Cytogenetic location: 3q21.1.
Variant type: single nucleotide variant.
Coding change: c.1377+4C>G on transcript NM_000388.4 (MANE Select); 4 bases into the intron after coding-DNA position 1377, C replaced by G.
Molecular consequence: intron variant.
Genome position (GRCh38, 1-based): chr3:122,262,416, C>G. VCF-style: chr3-122262416-C-G. GRCh37 (hg19) VCF-style: chr3-121981263-C-G.
Other names: c.1377+4C>G (NM_001178065.2).
Identifiers: ClinVar variation 948330 (VCV000948330.10), dbSNP rs1445251048, ClinGen allele CA545644631.

ClinVar aggregate classification (germline): Uncertain significance (1 of 4 stars; one submission).

Conditions:
Familial hypocalciuric hypercalcemia (FHH). Also called: Familial benign hypercalcemia. Identifiers: Orphanet 405, MedGen C1809471, MONDO:0018458.
Autosomal dominant hypocalcemia 1 (HYPOC1). Also called: HYPOCALCEMIA, FAMILIAL. Identifiers: MedGen C3715128, MONDO:0011013, OMIM 601198.

Submission:

Labcorp Genetics (formerly Invitae), Labcorp
Classification: Uncertain significance for Familial hypocalciuric hypercalcemia; Autosomal dominant hypocalcemia 1. Last evaluated: 2019-08-06. Review status: criteria provided, single submitter. Criteria: Invitae Variant Classification Sherloc (09022015). Collection method: clinical testing. Allele origin: germline.
Comment: Nucleotide substitutions within the consensus splice site are a relatively common cause of aberrant splicing (PMID: 17576681, 9536098). Algorithms developed to predict the effect of sequence changes on RNA splicing suggest that this variant is not likely to affect RNA splicing, but this prediction has not been confirmed by published transcriptional studies. This sequence change falls in intron 4 of the CASR gene. It does not directly change the encoded amino acid sequence of the CASR protein, but it affects a nucleotide within the consensus splice site of the intron. This variant is not present in population databases (ExAC no frequency). This variant has not been reported in the literature in individuals with CASR-related conditions. In summary, the available evidence is currently insufficient to determine the role of this variant in disease. Therefore, it has been classified as a Variant of Uncertain Significance.

Literature cited by the submitters: PubMed 17576681; PubMed 9536098.